The following is an entry in ClinVar:

ClinVar aggregate classification (germline): Conflicting classifications of pathogenicity. Review status: criteria provided, conflicting classifications (1 of 4 stars). 6 submissions from 5 submitters: Uncertain significance (2); Benign (1); Likely benign (3). Last evaluated 2026-02-01.

Conditions:
Asphyxiating thoracic dystrophy 4 (SRTD4). Also called: SHORT-RIB THORACIC DYSPLASIA 4 WITH OR WITHOUT POLYDACTYLY; SHORT-RIB THORACIC DYSPLASIA 4. Identifiers: Orphanet 474, MedGen C3151185, MONDO:0013441, OMIM 613819.
Nephronophthisis 12 (NPHP12). Identifiers: Orphanet 655, MedGen C3151186, MONDO:0013442, OMIM 613820.
Jeune thoracic dystrophy. Also called: Short-rib thoracic dysplasia; Jeune syndrome; Infantile thoracic dystrophy; Thoracic pelvic phalangeal dystrophy; Jeune's syndrome; Chondroectodermal dysplasia-like syndrome. Identifiers: Orphanet 474, MedGen C0265275, MONDO:0018770.
Nephronophthisis. Also called: Juvenile Nephronophthisis. Identifiers: Orphanet 655, MedGen C0687120, MONDO:0019005, HP:0000090.

Allele frequency attached by ClinVar (database versions not stated): 1000 Genomes Project 30x 0.00016; 1000 Genomes Project 0.00020; gnomAD 0.00088 and 0.00096; TOPMed 0.00091; ESP Exome Variant Server 0.00092; gnomAD exomes 0.00096 and 0.00138; ExAC 0.00118.
gnomAD v4.1: 2,126 of 1,612,380 alleles (0.13%); highest among the groups gnomAD compares: Middle Eastern, 0.22%; 4 homozygotes.

Submissions (6):

Labcorp Genetics (formerly Invitae), Labcorp
Classification: Benign for Jeune thoracic dystrophy; Nephronophthisis. Last evaluated: 2026-02-01. Review status: criteria provided, single submitter. Criteria: Invitae Variant Classification Sherloc (09022015). Collection method: clinical testing. Allele origin: germline.

Blueprint Genetics
Classification: Likely benign. Last evaluated: 2024-11-25. Review status: criteria provided, single submitter. Criteria: ACMG Guidelines, 2015. Collection method: clinical testing. Allele origin: germline.

ARUP Laboratories, Molecular Genetics and Genomics, ARUP Laboratories
Classification: Likely benign. Last evaluated: 2021-06-11. Review status: criteria provided, single submitter. Criteria: ARUP Molecular Germline Variant Investigation Process 2021. Collection method: clinical testing. Allele origin: germline.

Illumina Laboratory Services, Illumina
Classification: Uncertain significance for Nephronophthisis 12. Last evaluated: 2018-01-12. Review status: criteria provided, single submitter. Criteria: ICSL Variant Classification Criteria 13 December 2019. Collection method: clinical testing. Allele origin: germline.

Illumina Laboratory Services, Illumina
Classification: Uncertain significance for Asphyxiating thoracic dystrophy 4. Last evaluated: 2018-01-12. Review status: criteria provided, single submitter. Criteria: ICSL Variant Classification Criteria 13 December 2019. Collection method: clinical testing. Allele origin: germline.

GeneDx
Classification: Likely benign. Last evaluated: 2017-04-14. Review status: criteria provided, single submitter. Criteria: GeneDx Variant Classification (06012015). Collection method: clinical testing. Allele origin: germline. Affected: yes.
Comment: This variant is considered likely benign or benign based on one or more of the following criteria: it is a conservative change, it occurs at a poorly conserved position in the protein, it is predicted to be benign by multiple in silico algorithms, and/or has population frequency not consistent with disease.

NM_024753.5(TTC21B):c.3874-14T>C

Gene: TTC21B (tetratricopeptide repeat domain 21B; minus strand). Cytogenetic location: 2q24.3.
Variant type: single nucleotide variant.
Coding change: c.3874-14T>C on transcript NM_024753.5 (MANE Select); 14 bases into the intron before coding-DNA position 3874, T replaced by C.
Molecular consequence: intron variant.
Genome position (GRCh38, 1-based): chr2:165,874,846, A>G on the plus strand (T>C on the coding strand, the complement: TTC21B is on the minus strand). VCF-style: chr2-165874846-A-G. GRCh37 (hg19) VCF-style: chr2-166731356-A-G.
Identifiers: ClinVar variation 508884 (VCV000508884.22), dbSNP rs200347449, ClinGen allele CA1941349.